The following is an entry in ClinVar:

ClinVar aggregate classification (germline): Uncertain significance. Review status: criteria provided, multiple submitters, no conflicts (2 of 4 stars). 2 submissions from 2 submitters: Uncertain significance (2). Last evaluated 2024-10-27.

Conditions:
Haddad syndrome (OHD). Also called: Ondine-Hirschsprung disease. Identifiers: Orphanet 99803, MedGen C1859049, MONDO:0020493.
Hereditary cancer-predisposing syndrome. Also called: Neoplastic Syndromes, Hereditary; Tumor predisposition; Hereditary neoplastic syndrome; Hereditary Cancer Syndrome. Identifiers: Orphanet 140162, MedGen C0027672, MeSH D009386, MONDO:0015356.

Allele frequency attached by ClinVar (database versions not stated): gnomAD exomes below 0.00001 and 0.00001.
gnomAD v4.1: 5 of 1,613,772 alleles (0.00031%); highest among the groups gnomAD compares: East Asian, 0.0022%; no homozygotes.

Submissions (2):

Ambry Genetics
Classification: Uncertain significance for Hereditary cancer-predisposing syndrome. Last evaluated: 2024-10-27. Review status: criteria provided, single submitter. Criteria: Ambry Variant Classification Scheme 2023. Collection method: clinical testing. Allele origin: germline.
Comment: The p.A187D variant (also known as c.560C>A), located in coding exon 3 of the PHOX2B gene, results from a C to A substitution at nucleotide position 560. The alanine at codon 187 is replaced by aspartic acid, an amino acid with dissimilar properties. This amino acid position is not well conserved in available vertebrate species. In addition, this alteration is predicted to be tolerated by in silico analysis. Based on the available evidence, the clinical significance of this variant remains unclear.

Labcorp Genetics (formerly Invitae), Labcorp
Classification: Uncertain significance for Haddad syndrome. Last evaluated: 2022-02-20. Review status: criteria provided, single submitter. Criteria: Invitae Variant Classification Sherloc (09022015). Collection method: clinical testing. Allele origin: germline.
Comment: This variant has not been reported in the literature in individuals affected with PHOX2B-related conditions. In summary, the available evidence is currently insufficient to determine the role of this variant in disease. Therefore, it has been classified as a Variant of Uncertain Significance. Algorithms developed to predict the effect of missense changes on protein structure and function are either unavailable or do not agree on the potential impact of this missense change (SIFT: "Deleterious"; PolyPhen-2: "Not Available"; Align-GVGD: "Class C0"). ClinVar contains an entry for this variant (Variation ID: 568845). This variant is present in population databases (no rsID available, gnomAD 0.006%). This sequence change replaces alanine, which is neutral and non-polar, with aspartic acid, which is acidic and polar, at codon 187 of the PHOX2B protein (p.Ala187Asp).

NM_003924.4(PHOX2B):c.560C>A (p.Ala187Asp)

Gene: PHOX2B (paired like homeobox 2B; minus strand). Cytogenetic location: 4p13.
Variant type: single nucleotide variant.
Coding change: c.560C>A on transcript NM_003924.4 (MANE Select); coding-DNA position 560, C replaced by A.
Protein change: p.Ala187Asp; replaces alanine 187 with aspartic acid.
Molecular consequence: missense variant.
Genome position (GRCh38, 1-based): chr4:41,746,192, G>T on the plus strand (C>A on the coding strand, the complement: PHOX2B is on the minus strand). VCF-style: chr4-41746192-G-T. GRCh37 (hg19) VCF-style: chr4-41748209-G-T.
Other names: short protein forms A187D.
Identifiers: ClinVar variation 568845 (VCV000568845.16), dbSNP rs1191400815, ClinGen allele CA356738065.
Genomic context (GRCh38, chr4:41,746,192, plus strand): 5'-CTGGGGGTGGGGTTGGGATTGGGACCTGGGCCCCCAGTGCTGTCCGGGTCAGTGCTCTTG[G>T]CCTCTTTGCTCTCGTCGTCCCTGGAAGAGTCAGACTTTTTGCCCGAGGAGCCGTTCTTGG-3'
Protein context (NP_003915.2, residues 177-197): DSSRDDESKE[Ala187Asp]KSTDPDSTGG